The following is an entry in ClinVar:

NM_198578.4(LRRK2):c.3074G>A (p.Ser1025Asn)

Gene: LRRK2 (leucine rich repeat kinase 2; plus strand). Cytogenetic location: 12q12.
Variant type: single nucleotide variant.
Coding change: c.3074G>A on transcript NM_198578.4 (MANE Select); coding-DNA position 3074, G replaced by A.
Protein change: p.Ser1025Asn; replaces serine 1025 with asparagine.
Molecular consequence: missense variant.
Genome position (GRCh38, 1-based): chr12:40,295,622, G>A. VCF-style: chr12-40295622-G-A. GRCh37 (hg19) VCF-style: chr12-40689424-G-A.
Other names: short protein forms S1025N.
Identifiers: ClinVar variation 3540538 (VCV003540538.1).

ClinVar aggregate classification (germline): Uncertain significance (1 of 4 stars; one submission).

Conditions:
Inborn genetic diseases. Identifiers: MedGen C0950123, MeSH D030342.

gnomAD v4.1: 9 of 1,613,904 alleles (0.00056%); highest among the groups gnomAD compares: African/African-American, 0.0013%; no homozygotes.

Submission:

Ambry Genetics
Classification: Uncertain significance for Inborn genetic diseases. Last evaluated: 2024-08-11. Review status: criteria provided, single submitter. Criteria: Ambry Variant Classification Scheme 2023. Collection method: clinical testing. Allele origin: germline.
Comment: The p.S1025N variant (also known as c.3074G>A), located in coding exon 23 of the LRRK2 gene, results from a G to A substitution at nucleotide position 3074. The serine at codon 1025 is replaced by asparagine, an amino acid with highly similar properties. This amino acid position is conserved. In addition, this alteration is predicted to be tolerated by in silico analysis. Based on the available evidence, the clinical significance of this variant remains unclear.